The following is an entry in ClinVar:

NM_001197104.2(KMT2A):c.6632G>A (p.Arg2211Gln)

Gene: KMT2A (lysine methyltransferase 2A; plus strand). Cytogenetic location: 11q23.3.
Variant type: single nucleotide variant.
Coding change: c.6632G>A on transcript NM_001197104.2 (MANE Select); coding-DNA position 6632, G replaced by A.
Protein change: p.Arg2211Gln; replaces arginine 2211 with glutamine.
Molecular consequence: missense variant.
Genome position (GRCh38, 1-based): chr11:118,502,524, G>A. VCF-style: chr11-118502524-G-A. GRCh37 (hg19) VCF-style: chr11-118373239-G-A.
Other names: c.6623G>A, p.Arg2208Gln (NM_005933.4); short protein forms R2208Q, R2211Q.
Identifiers: ClinVar variation 1679776 (VCV001679776.6), dbSNP rs140529566, ClinGen allele CA6304286.

ClinVar aggregate classification (germline): Uncertain significance. Review status: criteria provided, multiple submitters, no conflicts (2 of 4 stars). 2 submissions from 2 submitters: Uncertain significance (2). Last evaluated 2025-08-12.

Conditions:
Wiedemann-Steiner syndrome (WDSTS). Also called: Growth deficiency and mental retardation with facial dysmorphism. Identifiers: Orphanet 319182, MedGen C1854630, MONDO:0011518, OMIM 605130.

Allele frequency attached by ClinVar (database versions not stated): ExAC 0.00002; gnomAD exomes 0.00002 and 0.00003; gnomAD 0.00003 and 0.00004; TOPMed 0.00004; ESP Exome Variant Server 0.00008.
gnomAD v4.1: 50 of 1,613,870 alleles (0.0031%); highest among the groups gnomAD compares: East Asian, 0.0045%; no homozygotes.

Submissions (2):

Labcorp Genetics (formerly Invitae), Labcorp
Classification: Uncertain significance. Last evaluated: 2025-08-12. Review status: criteria provided, single submitter. Criteria: Invitae Variant Classification Sherloc (09022015). Collection method: clinical testing. Allele origin: germline.
Comment: This sequence change replaces arginine, which is basic and polar, with glutamine, which is neutral and polar, at codon 2211 of the KMT2A protein (p.Arg2211Gln). This variant is present in population databases (rs140529566, gnomAD 0.004%). This missense change has been observed in individual(s) with neurodevelopmental disorders (PMID: 33004838). ClinVar contains an entry for this variant (Variation ID: 1679776). Invitae Evidence Modeling of protein sequence and biophysical properties (such as structural, functional, and spatial information, amino acid conservation, physicochemical variation, residue mobility, and thermodynamic stability) indicates that this missense variant is not expected to disrupt KMT2A protein function with a negative predictive value of 95%. In summary, the available evidence is currently insufficient to determine the role of this variant in disease. Therefore, it has been classified as a Variant of Uncertain Significance.

New York Genome Center
Classification: Uncertain significance for Wiedemann-Steiner syndrome. Last evaluated: 2021-04-23. Review status: criteria provided, single submitter. Criteria: NYGC Assertion Criteria 2020. Collection method: clinical testing. Allele origin: inherited. Observed: 1 heterozygote. Study: CSER-NYCKidSeq.

Literature cited by the submitters: PubMed 33004838 (cited by Labcorp Genetics (formerly Invitae), Labcorp).